The following is an entry in ClinVar:

ClinVar aggregate classification (germline): Likely pathogenic (1 of 4 stars; one submission).

Conditions:
Deficiency of hydroxymethylglutaryl-CoA lyase (HMGCLD). Also called: HMG-CoA LYASE DEFICIENCY; HMGCL DEFICIENCY; HYDROXYMETHYLGLUTARIC ACIDURIA; Defect in leucine metabolism; 3-hydroxy-3-methylglutaric aciduria. Identifiers: Orphanet 20, MedGen C1533587, MONDO:0009520, OMIM 246450.

Allele frequency attached by ClinVar (database versions not stated): gnomAD exomes below 0.00001.

Submission:

Labcorp Genetics (formerly Invitae), Labcorp
Classification: Likely pathogenic for Deficiency of hydroxymethylglutaryl-CoA lyase. Last evaluated: 2023-01-17. Review status: criteria provided, single submitter. Criteria: Invitae Variant Classification Sherloc (09022015). Collection method: clinical testing. Allele origin: germline.
Comment: In summary, the currently available evidence indicates that the variant is pathogenic, but additional data are needed to prove that conclusively. Therefore, this variant has been classified as Likely Pathogenic. Algorithms developed to predict the effect of sequence changes on RNA splicing suggest that this variant may disrupt the consensus splice site. ClinVar contains an entry for this variant (Variation ID: 1066729). This variant has not been reported in the literature in individuals affected with HMGCL-related conditions. This variant is not present in population databases (gnomAD no frequency). This sequence change affects an acceptor splice site in intron 1 of the HMGCL gene. It is expected to disrupt RNA splicing. Variants that disrupt the donor or acceptor splice site typically lead to a loss of protein function (PMID: 16199547), and loss-of-function variants in HMGCL are known to be pathogenic (PMID: 9817922, 17692550, 23465862).

Literature cited by the submitters: PubMed 16199547; PubMed 9817922; PubMed 17692550; PubMed 23465862.

NM_000191.3(HMGCL):c.61-1G>C

Gene: HMGCL (3-hydroxy-3-methylglutaryl-CoA lyase; minus strand). Cytogenetic location: 1p36.11.
Variant type: single nucleotide variant.
Coding change: c.61-1G>C on transcript NM_000191.3 (MANE Select); the canonical splice acceptor site of the intron before coding-DNA position 61, G replaced by C.
Molecular consequence: splice acceptor variant.
Genome position (GRCh38, 1-based): chr1:23,820,594, C>G on the plus strand (G>C on the coding strand, the complement: HMGCL is on the minus strand). VCF-style: chr1-23820594-C-G. GRCh37 (hg19) VCF-style: chr1-24147084-C-G.
Other names: c.61-1G>C (NM_001166059.2).
Identifiers: ClinVar variation 1066729 (VCV001066729.7), dbSNP rs1638701269, ClinGen allele CA339030578.
Genomic context (GRCh38, chr1:23,820,594, plus strand): 5'-GGGACCAACTTCCACAATTTTCACCCGCTTTGGTAAAGTGCCCATAGATGAGGTGCTGAC[C>G]TTTGGTTTAAAAGAGGAAACAAAAAGTATGAGGAAGAGATTGCCACAATTCCCAGGGAGA-3'